The following is an entry in ClinVar:

ClinVar aggregate classification (germline): Benign. Review status: criteria provided, multiple submitters, no conflicts (2 of 4 stars). 3 submissions from 3 submitters: Benign (2). 1 of the submissions does not count toward it. Last evaluated 2019-12-31.

Conditions:
XIRP2-related disorder. Also called: XIRP2-related condition.

Allele frequency attached by ClinVar (database versions not stated): ESP Exome Variant Server 0.00365; 1000 Genomes Project 30x 0.00265; gnomAD exomes 0.00461 and 0.00317; 1000 Genomes Project 0.00260; gnomAD 0.00308 and 0.00319; ExAC 0.00310; TOPMed 0.00320.
gnomAD v4.1: 7,125 of 1,613,688 alleles (0.44%); highest among the groups gnomAD compares: Non-Finnish European, 0.55%; 20 homozygotes.

Submissions (3):

Labcorp Genetics (formerly Invitae), Labcorp
Classification: Benign. Last evaluated: 2019-12-31. Review status: criteria provided, single submitter. Criteria: Invitae Variant Classification Sherloc (09022015). Collection method: clinical testing. Allele origin: germline.

Breakthrough Genomics
Classification: Benign. Review status: criteria provided, single submitter. Criteria: ACMG Guidelines, 2015. Collection method: not provided. Allele origin: germline. Inheritance: Unknown mechanism. Affected: yes.

PreventionGenetics, part of Exact Sciences
Classification: Likely benign for XIRP2-related condition. Last evaluated: 2019-10-15. Review status: no assertion criteria provided. Collection method: clinical testing. Allele origin: germline. Not counted in ClinVar's aggregate classification.
Comment: This variant is classified as likely benign based on ACMG/AMP sequence variant interpretation guidelines (Richards et al. 2015 PMID: 25741868, with internal and published modifications).

NM_152381.6(XIRP2):c.7856G>A (p.Arg2619Gln)

Gene: XIRP2 (xin actin binding repeat containing 2; plus strand). Cytogenetic location: 2q24.3.
Variant type: single nucleotide variant.
Coding change: c.7856G>A on transcript NM_152381.6 (MANE Select); coding-DNA position 7856, G replaced by A.
Protein change: p.Arg2619Gln; replaces arginine 2619 with glutamine.
Molecular consequence: missense variant. On other transcripts: intron variant (3).
Genome position (GRCh38, 1-based): chr2:167,249,248, G>A. VCF-style: chr2-167249248-G-A. GRCh37 (hg19) VCF-style: chr2-168105758-G-A.
Other names: c.7190G>A, p.Arg2397Gln (NM_001199144.2); c.1276-4784G>A (NM_001199143.2); c.1177-4784G>A (NM_001079810.4); c.511-4784G>A (NM_001199145.2); c.7856G>A (NM_152381.5); short protein forms R2619Q, R2397Q.
Identifiers: ClinVar variation 781685 (VCV000781685.7), dbSNP rs115922984, ClinGen allele CA1947710.
Genomic context (GRCh38, chr2:167,249,248, plus strand): 5'-CTGGAATTGATTCAGAATGCACTGTGGTTCAACCCAGCCCAGGCTCTCAAAGTAATGCTC[G>A]GATACTAGGAGTGTGTTCTGATAACCAACTCTCCACAACATCGCCAGAAACAGTCGCTGC-3'
Protein context (NP_689594.4, residues 2609-2629): QPSPGSQSNA[Arg2619Gln]ILGVCSDNQL